The following is an entry in ClinVar:

NM_001164508.2(NEB):c.3084C>G (p.Tyr1028Ter)

Gene: NEB (nebulin; minus strand). Cytogenetic location: 2q23.3.
Variant type: single nucleotide variant.
Coding change: c.3084C>G on transcript NM_001164508.2 (MANE Select); coding-DNA position 3084, C replaced by G.
Protein change: p.Tyr1028Ter; replaces tyrosine 1028 with a stop codon.
Molecular consequence: nonsense.
Genome position (GRCh38, 1-based): chr2:151,679,981, G>C on the plus strand (C>G on the coding strand, the complement: NEB is on the minus strand). VCF-style: chr2-151679981-G-C. GRCh37 (hg19) VCF-style: chr2-152536495-G-C.
Other names: c.3084C>G, p.Tyr1028Ter (NM_001164507.2, NM_001271208.2, NM_004543.5); short protein forms Y1028*.
Identifiers: ClinVar variation 1184895 (VCV001184895.6), dbSNP rs2099402392, ClinGen allele CA348820588.

ClinVar aggregate classification (germline): Pathogenic. Review status: criteria provided, multiple submitters, no conflicts (2 of 4 stars). 2 submissions from 2 submitters: Pathogenic (2). Last evaluated 2022-03-18.

Conditions:
Nemaline myopathy 2 (NEM2). Also called: Nemaline myopathy 2, autosomal recessive. Identifiers: MedGen C1850569, MONDO:0009725, OMIM 256030.

Submissions (2):

Labcorp Genetics (formerly Invitae), Labcorp
Classification: Pathogenic for Nemaline myopathy 2. Last evaluated: 2022-03-18. Review status: criteria provided, single submitter. Criteria: Invitae Variant Classification Sherloc (09022015). Collection method: clinical testing. Allele origin: germline.
Comment: This sequence change creates a premature translational stop signal (p.Tyr1028*) in the NEB gene. It is expected to result in an absent or disrupted protein product. Loss-of-function variants in NEB are known to be pathogenic (PMID: 25205138). This variant is not present in population databases (gnomAD no frequency). This variant has not been reported in the literature in individuals affected with NEB-related conditions. ClinVar contains an entry for this variant (Variation ID: 1184895). For these reasons, this variant has been classified as Pathogenic.

Institute of Medical Genetics and Applied Genomics, University Hospital Tübingen
Classification: Pathogenic. Last evaluated: 2021-06-17. Review status: criteria provided, single submitter. Criteria: ACMG Guidelines, 2015. Collection method: clinical testing. Allele origin: germline. Inheritance: Autosomal recessive inheritance. Affected: yes.

Literature cited by the submitters: PubMed 25205138 (cited by Labcorp Genetics (formerly Invitae), Labcorp).